The following is an entry in ClinVar:

NM_000094.4(COL7A1):c.6191G>A (p.Gly2064Glu)

Gene: COL7A1 (collagen type VII alpha 1 chain; minus strand). Cytogenetic location: 3p21.31.
Variant type: single nucleotide variant.
Coding change: c.6191G>A on transcript NM_000094.4 (MANE Select); coding-DNA position 6191, G replaced by A.
Protein change: p.Gly2064Glu; replaces glycine 2064 with glutamic acid.
Molecular consequence: missense variant.
Genome position (GRCh38, 1-based): chr3:48,575,232, C>T on the plus strand (G>A on the coding strand, the complement: COL7A1 is on the minus strand). VCF-style: chr3-48575232-C-T. GRCh37 (hg19) VCF-style: chr3-48612665-C-T.
Other names: short protein forms G2064E.
Identifiers: ClinVar variation 1676650 (VCV001676650.6), dbSNP rs2107672816, ClinGen allele CA352662668.

ClinVar aggregate classification (germline): Pathogenic. Review status: criteria provided, multiple submitters, no conflicts (2 of 4 stars). 2 submissions from 2 submitters: Pathogenic (2). Last evaluated 2024-04-25.

Conditions:
Generalized dominant dystrophic epidermolysis bullosa (DDEB). Also called: DYSTROPHIC EPIDERMOLYSIS BULLOSA, AUTOSOMAL DOMINANT; Epidermolysis bullosa dystrophica, autosomal dominant; DDEB, generalized; DDEB-gen; Dominant DEB (DDEB). Identifiers: Orphanet 231568, MedGen C0432322, MONDO:0007549, OMIM 131750.

Submissions (2):

Labcorp Genetics (formerly Invitae), Labcorp
Classification: Pathogenic. Last evaluated: 2024-04-25. Review status: criteria provided, single submitter. Criteria: Invitae Variant Classification Sherloc (09022015). Collection method: clinical testing. Allele origin: germline.
Comment: This sequence change replaces glycine, which is neutral and non-polar, with glutamic acid, which is acidic and polar, at codon 2064 of the COL7A1 protein (p.Gly2064Glu). This variant is not present in population databases (gnomAD no frequency). This missense change has been observed in individuals with clinical features of autosomal dominant epidermolysis bullosa dystrophica (PMID: 16189623, 19681861; Invitae). ClinVar contains an entry for this variant (Variation ID: 1676650). Advanced modeling of protein sequence and biophysical properties (such as structural, functional, and spatial information, amino acid conservation, physicochemical variation, residue mobility, and thermodynamic stability) performed at Invitae indicates that this missense variant is expected to disrupt COL7A1 protein function with a positive predictive value of 95%. This variant disrupts the triple helix domain of COL7A1. Glycine residues within the Gly-Xaa-Yaa repeats of the triple helix domain are required for the structure and stability of fibrillar collagens (PMID: 7695699, 8218237, 19344236), and variants at these glycine residues in COL7A1 are more frequently observed in individuals with disease than in the general population (PMID: 22058051). However, the clinical significance of this observation remains uncertain since only a limited number of affected individuals have been described to date. This variant disrupts the p.Gly2064 amino acid residue in COL7A1. Other variant(s) that disrupt this residue have been determined to be pathogenic (PMID: 9856843). This suggests that this residue is clinically significant, and that variants that disrupt this residue are likely to be disease-causing. For these reasons, this variant has been classified as Pathogenic.

Center for Research in Genodermatoses and Epidermolysis Bullosa, University of Buenos Aires
Classification: Pathogenic for Generalized dominant dystrophic epidermolysis bullosa. Last evaluated: 2022-03-14. Review status: criteria provided, single submitter. Criteria: ACMG Guidelines, 2015. Collection method: clinical testing. Allele origin: germline. Affected: yes. Observed: 1 variant allele, 1 heterozygote.

Literature cited by the submitters: PubMed 16189623 (cited by Labcorp Genetics (formerly Invitae), Labcorp and Center for Research in Genodermatoses and Epidermolysis Bullosa, University of Buenos Aires); PubMed 19681861 (cited by Labcorp Genetics (formerly Invitae), Labcorp); PubMed 7695699 (cited by Labcorp Genetics (formerly Invitae), Labcorp); PubMed 8218237 (cited by Labcorp Genetics (formerly Invitae), Labcorp); PubMed 19344236 (cited by Labcorp Genetics (formerly Invitae), Labcorp); PubMed 22058051 (cited by Labcorp Genetics (formerly Invitae), Labcorp); PubMed 9856843 (cited by Labcorp Genetics (formerly Invitae), Labcorp); PubMed 35979658 (cited by Center for Research in Genodermatoses and Epidermolysis Bullosa, University of Buenos Aires).